The following is an entry in ClinVar:

ClinVar aggregate classification (germline): Benign. Review status: criteria provided, multiple submitters, no conflicts (2 of 4 stars). 2 submissions from 2 submitters: Benign (2). Last evaluated 2018-01-13.

Conditions:
Progressive familial intrahepatic cholestasis type 1. Also called: BYLER DISEASE; Byler's disease; Severe ATP8B1 Deficiency (Progressive Familial Intrahepatic Cholestasis Type 1 [PFIC1]). Identifiers: Orphanet 79306, MedGen C4551898, MONDO:0008892, OMIM 211600.

Allele frequency attached by ClinVar (database versions not stated): 1000 Genomes Project 0.14736; 1000 Genomes Project 30x 0.14913; TOPMed 0.19046; gnomAD 0.20546 and 0.20609.

Submissions (2):

Illumina Laboratory Services, Illumina
Classification: Benign for Progressive familial intrahepatic cholestasis type 1. Last evaluated: 2018-01-13. Review status: criteria provided, single submitter. Criteria: ICSL Variant Classification Criteria 13 December 2019. Collection method: clinical testing. Allele origin: germline.
Comment: This variant was observed in the ICSL laboratory as part of a predisposition screen in an ostensibly healthy population. It had not been previously curated by ICSL or reported in the Human Gene Mutation Database (HGMD: prior to June 1st, 2018), and was therefore a candidate for classification through an automated scoring system. Utilizing variant allele frequency, disease prevalence and penetrance estimates, and inheritance mode, an automated score was calculated to assess if this variant is too frequent to cause the disease. Based on the score and internal cut-off values, a variant classified as benign is not then subjected to further curation. The score for this variant resulted in a classification of benign for this disease.

Breakthrough Genomics
Classification: Benign. Review status: criteria provided, single submitter. Criteria: ACMG Guidelines, 2015. Collection method: not provided. Allele origin: germline. Inheritance: Autosomal recessive inheritance. Affected: yes.

NM_001374385.1(ATP8B1):c.*1254T>C

Genes: ATP8B1 (ATPase phospholipid transporting 8B1; minus strand), ATP8B1-AS1 (ATP8B1 antisense RNA 1; plus strand). Cytogenetic location: 18q21.31.
Variant type: single nucleotide variant.
Coding change: c.*1254T>C on transcript NM_001374385.1 (MANE Select); 1254 bases downstream of the stop codon, T replaced by C.
Molecular consequence: 3 prime UTR variant.
Genome position (GRCh38, 1-based): chr18:57,647,234, A>G on the plus strand (T>C on the coding strand, the complement: ATP8B1 is on the minus strand). VCF-style: chr18-57647234-A-G. GRCh37 (hg19) VCF-style: chr18-55314466-A-G.
Other names: c.*1254T>C (NM_001374386.1, NM_005603.6).
Identifiers: ClinVar variation 327445 (VCV000327445.6), dbSNP rs17685852, ClinGen allele CA10647939.